The following is an entry in ClinVar:

NC_000017.10:g.(?_29575982)_(29665843_?)del

Genes: EVI2A (ecotropic viral integration site 2A; minus strand), EVI2B (ecotropic viral integration site 2B; minus strand), NF1 (neurofibromin 1; plus strand), OMG (oligodendrocyte myelin glycoprotein; minus strand). Cytogenetic location: 17q11.2.
Variant type: Deletion.
Identifiers: ClinVar variation 2422722 (VCV002422722.4).

ClinVar aggregate classification (germline): Pathogenic (1 of 4 stars; one submission).

Conditions:
Neurofibromatosis, type 1 (NF1). Also called: Peripheral type neurofibromatosis; VON RECKLINGHAUSEN DISEASE; NEUROFIBROMATOSIS, TYPE I, SOMATIC; Neurofibromatosis, type I. Identifiers: Orphanet 636, MedGen C0027831, MONDO:0018975, OMIM 162200. Disease mechanism: loss of function.

Submission:

Labcorp Genetics (formerly Invitae), Labcorp
Classification: Pathogenic for Neurofibromatosis, type 1. Last evaluated: 2022-08-21. Review status: criteria provided, single submitter. Criteria: Invitae Variant Classification Sherloc (09022015). Collection method: clinical testing. Allele origin: germline.
Comment: This variant has not been reported in the literature in individuals affected with NF1-related conditions. This variant is a gross deletion of the genomic region encompassing exon(s) 30-45 of the NF1 gene. This deletion is out-of-frame, and is expected to create a premature termination codon and result in an absent or disrupted protein product. Loss-of-function variants in NF1 are known to be pathogenic (PMID: 10712197, 23913538). For these reasons, this variant has been classified as Pathogenic.

Literature cited by the submitters: PubMed 10712197; PubMed 23913538.